The following is an entry in ClinVar:

NM_002509.4(NKX2-2):c.286C>A (p.Pro96Thr)

Gene: NKX2-2 (NK2 homeobox 2; minus strand). Cytogenetic location: 20p11.22.
Variant type: single nucleotide variant.
Coding change: c.286C>A on transcript NM_002509.4 (MANE Select); coding-DNA position 286, C replaced by A.
Protein change: p.Pro96Thr; replaces proline 96 with threonine.
Molecular consequence: missense variant.
Genome position (GRCh38, 1-based): chr20:21,512,459, G>T on the plus strand (C>A on the coding strand, the complement: NKX2-2 is on the minus strand). VCF-style: chr20-21512459-G-T. GRCh37 (hg19) VCF-style: chr20-21493097-G-T.
Other names: short protein forms P96T.
Identifiers: ClinVar variation 1502373 (VCV001502373.6), dbSNP rs754087850, ClinGen allele CA9786274.

ClinVar aggregate classification (germline): Uncertain significance (1 of 4 stars; one submission).

Allele frequency attached by ClinVar (database versions not stated): ExAC 0.00019.
gnomAD v4.1: 129 of 1,579,368 alleles (0.0082%); highest among the groups gnomAD compares: Non-Finnish European, 0.01%; no homozygotes.

Submission:

Labcorp Genetics (formerly Invitae), Labcorp
Classification: Uncertain significance. Last evaluated: 2025-01-01. Review status: criteria provided, single submitter. Criteria: Invitae Variant Classification Sherloc (09022015). Collection method: clinical testing. Allele origin: germline.
Comment: This sequence change replaces proline, which is neutral and non-polar, with threonine, which is neutral and polar, at codon 96 of the NKX2-2 protein (p.Pro96Thr). This variant is present in population databases (rs754087850, gnomAD 0.02%). This variant has not been reported in the literature in individuals affected with NKX2-2-related conditions. ClinVar contains an entry for this variant (Variation ID: 1502373). An algorithm developed to predict the effect of missense changes on protein structure and function (PolyPhen-2) suggests that this variant¬†is likely to be tolerated. In summary, the available evidence is currently insufficient to determine the role of this variant in disease. Therefore, it has been classified as a Variant of Uncertain Significance.